The following is an entry in ClinVar:

NM_005655.4(KLF10):c.968A>G (p.Gln323Arg)

Gene: KLF10 (KLF transcription factor 10; minus strand). Cytogenetic location: 8q22.3.
Variant type: single nucleotide variant.
Coding change: c.968A>G on transcript NM_005655.4 (MANE Select); coding-DNA position 968, A replaced by G.
Protein change: p.Gln323Arg; replaces glutamine 323 with arginine.
Molecular consequence: missense variant.
Genome position (GRCh38, 1-based): chr8:102,651,364, T>C on the plus strand (A>G on the coding strand, the complement: KLF10 is on the minus strand). VCF-style: chr8-102651364-T-C. GRCh37 (hg19) VCF-style: chr8-103663592-T-C.
Other names: c.935A>G, p.Gln312Arg (NM_001032282.4); short protein forms Q323R, Q312R.
Identifiers: ClinVar variation 4749214 (VCV004749214.1).
Genomic context (GRCh38, chr8:102,651,364, plus strand): 5'-GGAGAGAGTCTGGTGCCATTCGGGCTCACCACCGGAGGCTTTGAACTCTGCACAACGGGC[T>C]GGGGTACCACAAACATGACAGCGCCTTTGGGGACTTGTGTGCCCATGAACACAACAGGGG-3'
Protein context (NP_005646.1, residues 313-333): PKGAVMFVVP[Gln323Arg]PVVQSSKPPV

ClinVar aggregate classification (germline): Uncertain significance (1 of 4 stars; one submission).

gnomAD v4.1: 1 of 1,599,836 alleles (0.000063%); highest among the groups gnomAD compares: African/African-American, 0.0013%; no homozygotes.

Submission:

Labcorp Genetics (formerly Invitae), Labcorp
Classification: Uncertain significance. Last evaluated: 2025-09-23. Review status: criteria provided, single submitter. Criteria: Invitae Variant Classification Sherloc (09022015). Collection method: clinical testing. Allele origin: germline.
Comment: This sequence change replaces glutamine, which is neutral and polar, with arginine, which is basic and polar, at codon 323 of the KLF10 protein (p.Gln323Arg). This variant is not present in population databases (gnomAD no frequency). This variant has not been reported in the literature in individuals affected with KLF10-related conditions. An algorithm developed to predict the effect of missense changes on protein structure and function (PolyPhen-2) suggests that this variant is likely to be disruptive. In summary, the available evidence is currently insufficient to determine the role of this variant in disease. Therefore, it has been classified as a Variant of Uncertain Significance.